The following is an entry in ClinVar:

ClinVar aggregate classification (germline): Uncertain significance (1 of 4 stars; one submission).

Conditions:
Tuberous sclerosis 2 (TSC2). Identifiers: Orphanet 805, MedGen C1860707, MONDO:0013199, OMIM 613254.

Submission:

Clinical Genomics Laboratory, Washington University in St. Louis
Classification: Uncertain significance for Tuberous sclerosis 2. Last evaluated: 2023-12-13. Review status: criteria provided, single submitter. Criteria: ACMG Guidelines, 2015. Collection method: clinical testing. Allele origin: germline.
Comment: The TSC2 c.4005+5G>C variant was identified at a near heterozygous allelic fraction of 47.11%, a frequency which may be consistent with it being of germline origin. This variant, to our knowledge, has not been reported in the medial literature. This variant is absent from the general population (gnomAD v.4.0.0), indicating it is not a common variant. Computational predictors indicate that this variant would alter splicing, evidence that correlates to an impact of this variant on TSC2 function. Due to limited information, and based on ACMG/AMP guidelines for variant interpretation (Richards S et al., PMID: 25741868), the clinical significance of this variant is uncertain at this time.

NM_000548.5(TSC2):c.4005+5G>C

Gene: TSC2 (TSC complex subunit 2; plus strand). Cytogenetic location: 16p13.3.
Variant type: single nucleotide variant.
Coding change: c.4005+5G>C on transcript NM_000548.5 (MANE Select); 5 bases into the intron after coding-DNA position 4005, G replaced by C.
Molecular consequence: intron variant.
Genome position (GRCh38, 1-based): chr16:2,083,821, G>C. VCF-style: chr16-2083821-G-C. GRCh37 (hg19) VCF-style: chr16-2133822-G-C.
Other names: c.2463+5G>C (NM_001406693.1, NM_001406692.1, NM_001406694.1); c.3897+5G>C (NM_001406667.1); c.3894+5G>C (NM_001406668.1); c.3405+5G>C (NM_001406680.1); c.3336+5G>C (NM_001406683.1, NM_001406682.1); c.3204+5G>C (NM_001406687.1, NM_001406688.1); c.2592+5G>C (NM_001406689.1); c.2532+5G>C (NM_001406690.1); and 26 more.
Identifiers: ClinVar variation 3237378 (VCV003237378.1), dbSNP rs2151514405.
Genomic context (GRCh38, chr16:2,083,821, plus strand): 5'-TGGAGGACGTTGAGGCAGCGCTAGGCATGGACAGGCGCACGGATGCCTACAGCAGGGTGA[G>C]TGTGGCTCAGAGCCTGGACCCTGCTGACCTCGGGGGGCTCCTTAGGGGAGGCAGGGCTCT-3'